The following is an entry in ClinVar:

ClinVar aggregate classification (germline): Conflicting classifications of pathogenicity. Review status: criteria provided, conflicting classifications (1 of 4 stars). 2 submissions from 2 submitters: Uncertain significance (1); Likely benign (1). Last evaluated 2023-07-01.

Conditions:
Nail-patella syndrome (NPS). Also called: ONYCHOOSTEODYSPLASIA; TURNER-KIESER SYNDROME; FONG DISEASE. Identifiers: Orphanet 2614, MedGen C0027341, MONDO:0008061, OMIM 161200.

Allele frequency attached by ClinVar (database versions not stated): 1000 Genomes Project 30x 0.00016; 1000 Genomes Project 0.00020; TOPMed 0.00058; gnomAD 0.00076 and 0.00080; gnomAD exomes 0.00431.
gnomAD v4.1: 116 of 152,440 alleles (0.076%); highest among the groups gnomAD compares: Non-Finnish European, 0.11%; no homozygotes.

Submissions (2):

CeGaT Center for Human Genetics Tuebingen
Classification: Likely benign. Last evaluated: 2023-07-01. Review status: criteria provided, single submitter. Criteria: CeGaT Center For Human Genetics Tuebingen Variant Classification Criteria Version 2. Collection method: clinical testing. Allele origin: germline. Affected: yes. Observed: 1 variant allele.
Comment: LMX1B: BS1

Illumina Laboratory Services, Illumina
Classification: Uncertain significance for Nail-patella syndrome. Last evaluated: 2018-01-13. Review status: criteria provided, single submitter. Criteria: ICSL Variant Classification Criteria 13 December 2019. Collection method: clinical testing. Allele origin: germline.

NM_001174147.2(LMX1B):c.*950G>C

Gene: LMX1B (LIM homeobox transcription factor 1 beta; plus strand). Cytogenetic location: 9q33.3.
Variant type: single nucleotide variant.
Coding change: c.*950G>C on transcript NM_001174147.2 (MANE Select); 950 bases downstream of the stop codon, G replaced by C.
Molecular consequence: 3 prime UTR variant.
Genome position (GRCh38, 1-based): chr9:126,697,401, G>C. VCF-style: chr9-126697401-G-C. GRCh37 (hg19) VCF-style: chr9-129459680-G-C.
Other names: c.*950G>C (NM_001174146.2, NM_002316.4).
Identifiers: ClinVar variation 914676 (VCV000914676.29), dbSNP rs568763153, ClinGen allele CA199818322.